The following is an entry in ClinVar:

ClinVar aggregate classification (germline): Uncertain significance (1 of 4 stars; one submission).

Allele frequency attached by ClinVar (database versions not stated): gnomAD 0.00005 and 0.00006; TOPMed 0.00005; gnomAD exomes 0.00007 and 0.00010; ExAC 0.00013.
gnomAD v4.1: 117 of 1,606,242 alleles (0.0073%); highest among the groups gnomAD compares: Non-Finnish European, 0.008%; no homozygotes.

Submission:

Labcorp Genetics (formerly Invitae), Labcorp
Classification: Uncertain significance. Last evaluated: 2026-01-15. Review status: criteria provided, single submitter. Criteria: Invitae Variant Classification Sherloc (09022015). Collection method: clinical testing. Allele origin: germline.
Comment: This sequence change replaces arginine, which is basic and polar, with histidine, which is basic and polar, at codon 44 of the PLEKHM2 protein (p.Arg44His). This variant is present in population databases (rs750819902, gnomAD 0.05%). This variant has not been reported in the literature in individuals affected with PLEKHM2-related conditions. ClinVar contains an entry for this variant (Variation ID: 478068). An algorithm developed to predict the effect of missense changes on protein structure and function (PolyPhen-2) suggests that this variant is likely to be disruptive. In summary, the available evidence is currently insufficient to determine the role of this variant in disease. Therefore, it has been classified as a Variant of Uncertain Significance.

NM_015164.4(PLEKHM2):c.131G>A (p.Arg44His)

Gene: PLEKHM2 (pleckstrin homology and RUN domain containing M2; plus strand). Cytogenetic location: 1p36.21.
Variant type: single nucleotide variant.
Coding change: c.131G>A on transcript NM_015164.4 (MANE Select); coding-DNA position 131, G replaced by A.
Protein change: p.Arg44His; replaces arginine 44 with histidine.
Molecular consequence: missense variant.
Genome position (GRCh38, 1-based): chr1:15,716,307, G>A. VCF-style: chr1-15716307-G-A. GRCh37 (hg19) VCF-style: chr1-16042802-G-A.
Other names: short protein forms R44H.
Identifiers: ClinVar variation 478068 (VCV000478068.11), dbSNP rs750819902, ClinGen allele CA616603.
Genomic context (GRCh38, chr1:15,716,307, plus strand): 5'-ATTTTGCTGCATGTGAGGATGAGATCCCTGCCATCCGGAACCATGACAAGGTCCTACAGC[G>A]TCTGTGTGAGCACCTGGACCACGCCCTGCTGTACGGGTAAGGTGGAGGAAGTTTCCAAAG-3'
Protein context (NP_055979.2, residues 34-54): AIRNHDKVLQ[Arg44His]LCEHLDHALL